The following is an entry in ClinVar:

NM_014141.6(CNTNAP2):c.580G>C (p.Val194Leu)

Gene: CNTNAP2 (contactin associated protein 2; plus strand). Cytogenetic location: 7q35.
Variant type: single nucleotide variant.
Coding change: c.580G>C on transcript NM_014141.6 (MANE Select); coding-DNA position 580, G replaced by C.
Protein change: p.Val194Leu; replaces valine 194 with leucine.
Molecular consequence: missense variant.
Genome position (GRCh38, 1-based): chr7:147,108,176, G>C. VCF-style: chr7-147108176-G-C. GRCh37 (hg19) VCF-style: chr7-146805268-G-C.
Other names: short protein forms V194L.
Identifiers: ClinVar variation 1496669 (VCV001496669.6), dbSNP rs753151283, ClinGen allele CA369922987.

ClinVar aggregate classification (germline): Uncertain significance (1 of 4 stars; one submission).

Conditions:
Cortical dysplasia-focal epilepsy syndrome (PTHSL1). Also called: Pitt-Hopkins-like syndrome 1. Identifiers: Orphanet 163681, Orphanet 221150, MedGen C2750246, MONDO:0012400, OMIM 610042.

Submission:

Labcorp Genetics (formerly Invitae), Labcorp
Classification: Uncertain significance for Cortical dysplasia-focal epilepsy syndrome. Last evaluated: 2022-03-18. Review status: criteria provided, single submitter. Criteria: Invitae Variant Classification Sherloc (09022015). Collection method: clinical testing. Allele origin: germline.
Comment: This sequence change replaces valine, which is neutral and non-polar, with leucine, which is neutral and non-polar, at codon 194 of the CNTNAP2 protein (p.Val194Leu). This variant is not present in population databases (gnomAD no frequency). This variant has not been reported in the literature in individuals affected with CNTNAP2-related conditions. Algorithms developed to predict the effect of missense changes on protein structure and function (SIFT, PolyPhen-2, Align-GVGD) all suggest that this variant is likely to be tolerated. In summary, the available evidence is currently insufficient to determine the role of this variant in disease. Therefore, it has been classified as a Variant of Uncertain Significance.